The following is an entry in ClinVar:

NM_006445.4(PRPF8):c.2926A>G (p.Met976Val)

Gene: PRPF8 (pre-mRNA processing factor 8; minus strand). Cytogenetic location: 17p13.3.
Variant type: single nucleotide variant.
Coding change: c.2926A>G on transcript NM_006445.4 (MANE Select); coding-DNA position 2926, A replaced by G.
Protein change: p.Met976Val; replaces methionine 976 with valine.
Molecular consequence: missense variant.
Genome position (GRCh38, 1-based): chr17:1,675,286, T>C on the plus strand (A>G on the coding strand, the complement: PRPF8 is on the minus strand). VCF-style: chr17-1675286-T-C. GRCh37 (hg19) VCF-style: chr17-1578580-T-C.
Other names: short protein forms M976V.
Identifiers: ClinVar variation 1953271 (VCV001953271.6), dbSNP rs1374489130, ClinGen allele CA397544799.

ClinVar aggregate classification (germline): Uncertain significance. Review status: criteria provided, multiple submitters, no conflicts (2 of 4 stars). 2 submissions from 2 submitters: Uncertain significance (2). Last evaluated 2025-03-17.

Allele frequency attached by ClinVar (database versions not stated): gnomAD exomes 0.00002.
gnomAD v4.1: 23 of 1,614,200 alleles (0.0014%); highest among the groups gnomAD compares: Non-Finnish European, 0.0019%; no homozygotes.

Submissions (2):

Labcorp Genetics (formerly Invitae), Labcorp
Classification: Uncertain significance. Last evaluated: 2025-03-17. Review status: criteria provided, single submitter. Criteria: Invitae Variant Classification Sherloc (09022015). Collection method: clinical testing. Allele origin: germline.
Comment: This sequence change replaces methionine, which is neutral and non-polar, with valine, which is neutral and non-polar, at codon 976 of the PRPF8 protein (p.Met976Val). This variant is present in population databases (no rsID available, gnomAD 0.0009%). This variant has not been reported in the literature in individuals affected with PRPF8-related conditions. ClinVar contains an entry for this variant (Variation ID: 1953271). Invitae Evidence Modeling of protein sequence and biophysical properties (such as structural, functional, and spatial information, amino acid conservation, physicochemical variation, residue mobility, and thermodynamic stability) indicates that this missense variant is not expected to disrupt PRPF8 protein function with a negative predictive value of 80%. In summary, the available evidence is currently insufficient to determine the role of this variant in disease. Therefore, it has been classified as a Variant of Uncertain Significance.

Blueprint Genetics
Classification: Uncertain significance. Last evaluated: 2022-07-27. Review status: criteria provided, single submitter. Criteria: ACMG Guidelines, 2015. Collection method: clinical testing. Allele origin: germline.